The following is an entry in ClinVar:

NM_001211.6(BUB1B):c.1412C>T (p.Thr471Met)

Gene: BUB1B (BUB1 mitotic checkpoint serine/threonine kinase B; plus strand). Cytogenetic location: 15q15.1.
Variant type: single nucleotide variant.
Coding change: c.1412C>T on transcript NM_001211.6 (MANE Select); coding-DNA position 1412, C replaced by T.
Protein change: p.Thr471Met; replaces threonine 471 with methionine.
Molecular consequence: missense variant.
Genome position (GRCh38, 1-based): chr15:40,200,254, C>T. VCF-style: chr15-40200254-C-T. GRCh37 (hg19) VCF-style: chr15-40492455-C-T.
Other names: short protein forms T471M.
Identifiers: ClinVar variation 652485 (VCV000652485.16), dbSNP rs117485407, ClinGen allele CA7475741.

ClinVar aggregate classification (germline): Conflicting classifications of pathogenicity. Review status: criteria provided, conflicting classifications (1 of 4 stars). 5 submissions from 5 submitters: Uncertain significance (4); Likely benign (1). Last evaluated 2026-06-22.

Conditions:
BUB1B-related disorder. Also called: BUB1B-related condition.
Inborn genetic diseases. Identifiers: MedGen C0950123, MeSH D030342.
Mosaic variegated aneuploidy syndrome 1 (MVA1). Also called: Warburton-Anyane-Yeboa syndrome. Identifiers: Orphanet 1052, MedGen C1850343, MONDO:0009759, OMIM 257300.

Allele frequency attached by ClinVar (database versions not stated): gnomAD exomes 0.00003 and 0.00008; ExAC 0.00012; ESP Exome Variant Server 0.00023; gnomAD 0.00025 and 0.00028; 1000 Genomes Project 30x 0.00031; TOPMed 0.00034; 1000 Genomes Project 0.00040.
gnomAD v4.1: 78 of 1,612,236 alleles (0.0048%); highest among the groups gnomAD compares: African/African-American, 0.081%; no homozygotes.

Submissions (5):

PreventionGenetics, part of Exact Sciences
Classification: Uncertain significance for BUB1B-related condition. Last evaluated: 2026-06-22. Review status: criteria provided, single submitter. Criteria: ACMG Guidelines, 2015. Collection method: clinical testing. Allele origin: germline.
Comment: The BUB1B c.1412C>T variant is predicted to result in the amino acid substitution p.Thr471Met. To our knowledge, this variant has not been reported in the literature. This variant is reported in 0.11% of alleles in individuals of African descent in gnomAD and has conflicting interpretations in ClinVar ranging from likely benign to uncertain (Variation ID: 652485). Although we suspect that this variant may be benign, at this time, the clinical significance of this variant is uncertain due to the absence of conclusive functional and genetic evidence.

Labcorp Genetics (formerly Invitae), Labcorp
Classification: Uncertain significance for Mosaic variegated aneuploidy syndrome 1. Last evaluated: 2025-10-13. Review status: criteria provided, single submitter. Criteria: Invitae Variant Classification Sherloc (09022015). Collection method: clinical testing. Allele origin: germline.
Comment: This sequence change replaces threonine, which is neutral and polar, with methionine, which is neutral and non-polar, at codon 471 of the BUB1B protein (p.Thr471Met). This variant is present in population databases (rs117485407, gnomAD 0.1%). This variant has not been reported in the literature in individuals affected with BUB1B-related conditions. ClinVar contains an entry for this variant (Variation ID: 652485). An algorithm developed to predict the effect of missense changes on protein structure and function (PolyPhen-2) suggests that this variant is likely to be tolerated. In summary, the available evidence is currently insufficient to determine the role of this variant in disease. Therefore, it has been classified as a Variant of Uncertain Significance.

Ambry Genetics
Classification: Likely benign for Inborn genetic diseases. Last evaluated: 2024-02-26. Review status: criteria provided, single submitter. Criteria: Ambry Variant Classification Scheme 2023. Collection method: clinical testing. Allele origin: germline.

St. Jude Molecular Pathology, St. Jude Children's Research Hospital
Classification: Uncertain significance for Mosaic variegated aneuploidy syndrome 1. Last evaluated: 2022-06-08. Review status: criteria provided, single submitter. Criteria: St. Jude Assertion Criteria 2020. Collection method: clinical testing. Allele origin: germline.
Comment: The BUB1B c.1412C>T (p.Thr471Met) missense change has a maximum subpopulation frequency of 0.11% in gnomAD v2.1.1. The in silico tool REVEL predicts a benign effect on protein function, but to our knowledge this prediction has not been confirmed by functional studies. To our knowledge, this variant has not been reported in individuals with mosaic variegated aneuploidy syndrome. In summary, the evidence currently available is insufficient to determine the role of this variant in mosaic variegated aneuploidy syndrome. It has therefore been classified as of uncertain significance.

GeneDx
Classification: Uncertain significance. Last evaluated: 2022-01-19. Review status: criteria provided, single submitter. Criteria: GeneDx Variant Classification Process June 2021. Collection method: clinical testing. Allele origin: germline. Affected: yes.
Comment: In silico analysis supports that this missense variant does not alter protein structure/function; Has not been previously published as pathogenic or benign to our knowledge; This variant is associated with the following publications: (PMID: 27331020)